The following is an entry in ClinVar:

NM_006180.6(NTRK2):c.2332-10C>G

Gene: NTRK2 (neurotrophic receptor tyrosine kinase 2; plus strand). Cytogenetic location: 9q21.33.
Variant type: single nucleotide variant.
Coding change: c.2332-10C>G on transcript NM_006180.6 (MANE Select); 10 bases into the intron before coding-DNA position 2332, C replaced by G.
Molecular consequence: intron variant.
Genome position (GRCh38, 1-based): chr9:85,021,242, C>G. VCF-style: chr9-85021242-C-G. GRCh37 (hg19) VCF-style: chr9-87636157-C-G.
Other names: c.2284-10C>G (NM_001369532.1, NM_001369533.1, NM_001018064.3); c.2248-10C>G (NM_001369534.1); c.1864-10C>G (NM_001369536.1); c.1816-10C>G (NM_001369535.1).
Identifiers: ClinVar variation 3344279 (VCV003344279.1).

ClinVar aggregate classification (germline): Likely benign (0 of 4 stars; one submission).

Conditions:
NTRK2-related disorder. Also called: NTRK2-related condition.

gnomAD v4.1: 2 of 1,613,346 alleles (0.00012%); highest among the groups gnomAD compares: Non-Finnish European, 0.00017%; no homozygotes.

Submission:

PreventionGenetics, part of Exact Sciences
Classification: Likely benign for NTRK2-related condition. Last evaluated: 2024-05-30. Review status: no assertion criteria provided. Collection method: clinical testing. Allele origin: germline.
Comment: This variant is classified as likely benign based on ACMG/AMP sequence variant interpretation guidelines (Richards et al. 2015 PMID: 25741868, with internal and published modifications).